The following is an entry in ClinVar:

NM_001267550.2(TTN):c.67487A>G (p.Lys22496Arg)

Genes: TTN (titin; minus strand), TTN-AS1 (TTN antisense RNA 1; plus strand), LOC126806423 (CDK7 strongly-dependent group 2 enhancer GRCh37_chr2:179443309-179444508; plus strand). Cytogenetic location: 2q31.2.
Variant type: single nucleotide variant.
Coding change: c.67487A>G on transcript NM_001267550.2 (MANE Select); coding-DNA position 67487, A replaced by G.
Protein change: p.Lys22496Arg; replaces lysine 22496 with arginine.
Molecular consequence: missense variant.
Genome position (GRCh38, 1-based): chr2:178,579,710, T>C on the plus strand (A>G on the coding strand, the complement: TTN is on the minus strand). VCF-style: chr2-178579710-T-C. GRCh37 (hg19) VCF-style: chr2-179444437-T-C.
Other names: c.59783A>G, p.Lys19928Arg (NM_133378.4); c.62564A>G, p.Lys20855Arg (NM_001256850.1); c.40292A>G, p.Lys13431Arg (NM_003319.4); c.40667A>G, p.Lys13556Arg (NM_133432.3); c.40868A>G, p.Lys13623Arg (NM_133437.4); short protein forms K22496R, K19928R, K13556R, K13623R, K20855R, K13431R.
Identifiers: ClinVar variation 47251 (VCV000047251.9), dbSNP rs397517669, ClinGen allele CA140459.

ClinVar aggregate classification (germline): Uncertain significance. Review status: criteria provided, multiple submitters, no conflicts (2 of 4 stars). 4 submissions from 4 submitters: Uncertain significance (4). Last evaluated 2024-10-16.

Conditions:
Hypertrophic cardiomyopathy 9. Also called: Familial hypertrophic cardiomyopathy 9. Identifiers: MedGen C1861065, MONDO:0013412, OMIM 613765.
Tibial muscular dystrophy (TMD). Also called: Tibial muscular dystrophy, tardive; UDD MYOPATHY; Udd Distal Myopathy – Tibial Muscular Dystrophy. Identifiers: Orphanet 609, MedGen C1838244, MONDO:0010870, OMIM 600334.
Myopathy, myofibrillar, 9, with early respiratory failure (MFM9). Also called: MYOPATHY, PROXIMAL, WITH EARLY RESPIRATORY MUSCLE INVOLVEMENT; Myopathy, distal, with early respiratory failure, autosomal dominant; Hereditary myopathy with early respiratory failure; EDSTROM MYOPATHY. Identifiers: Orphanet 178464, Orphanet 34521, MedGen C1863599, MONDO:0011362, OMIM 603689.
Early-onset myopathy with fatal cardiomyopathy (CMYO5). Also called: CONGENITAL MYOPATHY 5 WITH CARDIOMYOPATHY; Salih Myopathy. Identifiers: Orphanet 289377, MedGen C2673677, MONDO:0012714, OMIM 611705. Disease mechanism: loss of function.
Dilated cardiomyopathy 1G (CMD1G). Identifiers: Orphanet 154, MedGen C1858763, MONDO:0011400, OMIM 604145.
Autosomal recessive limb-girdle muscular dystrophy type 2J (LGMDR10). Also called: Limb-girdle muscular dystrophy, type 2J; MUSCULAR DYSTROPHY, LIMB-GIRDLE, AUTOSOMAL RECESSIVE 10. Identifiers: Orphanet 140922, MedGen C1837342, MONDO:0012127, OMIM 608807.

Allele frequency attached by ClinVar (database versions not stated): TOPMed below 0.00001; ExAC 0.00001; gnomAD exomes 0.00001 and 0.00002.
gnomAD v4.1: 21 of 1,613,332 alleles (0.0013%); highest among the groups gnomAD compares: Non-Finnish European, 0.0017%; no homozygotes.

Submissions (4):

Women's Health and Genetics/Laboratory Corporation of America, LabCorp
Classification: Uncertain significance. Last evaluated: 2024-10-16. Review status: criteria provided, single submitter. Criteria: LabCorp Variant Classification Summary - May 2015. Collection method: clinical testing. Allele origin: germline.
Comment: Variant summary: TTN c.59783A>G (p.Lys19928Arg) results in a conservative amino acid change located in the A-band region, Fibronectin type-III domain of the encoded protein sequence. Three of five in-silico tools predict a damaging effect of the variant on protein function. The variant allele was found at a frequency of 1.6e-05 in 248088 control chromosomes. The available data on variant occurrences in the general population are insufficient to allow any conclusion about variant significance. To our knowledge, no occurrence of c.59783A>G in individuals affected with Limb-Girdle Muscular Dystrophy, Type 2J and no experimental evidence demonstrating its impact on protein function have been reported. ClinVar contains an entry for this variant (Variation ID: 47251). Based on the evidence outlined above, the variant was classified as uncertain significance.

Fulgent Genetics
Classification: Uncertain significance for Tibial muscular dystrophy; Myopathy, myofibrillar, 9, with early respiratory failure; Dilated cardiomyopathy 1G; Autosomal recessive limb-girdle muscular dystrophy type 2J; Early-onset myopathy with fatal cardiomyopathy; Hypertrophic cardiomyopathy 9. Last evaluated: 2021-11-09. Review status: criteria provided, single submitter. Criteria: ACMG Guidelines, 2015. Collection method: clinical testing. Allele origin: unknown.

Baylor Genetics
Classification: Uncertain significance for Autosomal recessive limb-girdle muscular dystrophy type 2J. Last evaluated: 2020-04-12. Review status: criteria provided, single submitter. Criteria: ACMG Guidelines, 2015. Collection method: clinical testing. Allele origin: unknown. Affected: yes.
Comment: This variant was determined to be of uncertain significance according to ACMG Guidelines, 2015 [PMID:25741868].

Laboratory for Molecular Medicine, Mass General Brigham Personalized Medicine
Classification: Uncertain significance. Last evaluated: 2012-02-13. Review status: criteria provided, single submitter. Criteria: LMM Criteria. Collection method: clinical testing. Allele origin: germline. Observed: 1 variant allele.
Comment: The Lys19928Arg variant (TTN) has not been reported in the literature nor previo usly identified by our laboratory. Lysine (Lys) at position 19928 is highly cons erved in mammals and across evolutionarily distant species, though computational analyses (biochemical amino acid properties, AlignGVGD, and SIFT) do not provid e strong support for or against an impact to the protein. Additional information is needed to fully assess the clinical significance of the Lys19928Arg variant.